The following is an entry in ClinVar:

NM_144670.6(A2ML1):c.3917G>T (p.Gly1306Val)

Gene: A2ML1 (alpha-2-macroglobulin like 1; plus strand). Cytogenetic location: 12p13.31.
Variant type: single nucleotide variant.
Coding change: c.3917G>T on transcript NM_144670.6 (MANE Select); coding-DNA position 3917, G replaced by T.
Protein change: p.Gly1306Val; replaces glycine 1306 with valine.
Molecular consequence: missense variant.
Genome position (GRCh38, 1-based): chr12:8,868,041, G>T. VCF-style: chr12-8868041-G-T. GRCh37 (hg19) VCF-style: chr12-9020637-G-T.
Other names: c.2444G>T, p.Gly815Val (NM_001282424.3); c.3917G>T (NM_144670.3); short protein forms G1306V, G815V.
Identifiers: ClinVar variation 2732076 (VCV002732076.3), dbSNP rs778284933, ClinGen allele CA6436511.

ClinVar aggregate classification (germline): Uncertain significance. Review status: criteria provided, multiple submitters, no conflicts (2 of 4 stars). 2 submissions from 2 submitters: Uncertain significance (2). Last evaluated 2025-06-03.

Allele frequency attached by ClinVar (database versions not stated): gnomAD 0.00001; gnomAD exomes 0.00001; ExAC 0.00001.
gnomAD v4.1: 19 of 1,614,072 alleles (0.0012%); highest among the groups gnomAD compares: South Asian, 0.02%; no homozygotes.

Submissions (2):

Labcorp Genetics (formerly Invitae), Labcorp
Classification: Uncertain significance. Last evaluated: 2025-06-03. Review status: criteria provided, single submitter. Criteria: Invitae Variant Classification Sherloc (09022015). Collection method: clinical testing. Allele origin: germline.
Comment: This sequence change replaces glycine, which is neutral and non-polar, with valine, which is neutral and non-polar, at codon 1306 of the A2ML1 protein (p.Gly1306Val). This variant is present in population databases (rs778284933, gnomAD 0.02%). This variant has not been reported in the literature in individuals affected with A2ML1-related conditions. ClinVar contains an entry for this variant (Variation ID: 2732076). An algorithm developed to predict the effect of missense changes on protein structure and function (PolyPhen-2) suggests that this variant is likely to be disruptive. In summary, the available evidence is currently insufficient to determine the role of this variant in disease. Therefore, it has been classified as a Variant of Uncertain Significance.

Ambry Genetics
Classification: Uncertain significance. Last evaluated: 2024-09-24. Review status: criteria provided, single submitter. Criteria: Ambry Variant Classification Scheme 2023. Collection method: clinical testing. Allele origin: germline.
Comment: The p.G1306V variant (also known as c.3917G>T), located in coding exon 30 of the A2ML1 gene, results from a G to T substitution at nucleotide position 3917. The glycine at codon 1306 is replaced by valine, an amino acid with dissimilar properties. This amino acid position is conserved. In addition, this alteration is predicted to be tolerated by in silico analysis. Based on the available evidence, the clinical significance of this variant remains unclear.